The following is an entry in ClinVar:

NM_020297.4(ABCC9):c.2547T>C (p.His849=)

Gene: ABCC9 (ATP binding cassette subfamily C member 9; minus strand). Cytogenetic location: 12p12.1.
Variant type: single nucleotide variant.
Coding change: c.2547T>C on transcript NM_020297.4 (MANE Select); coding-DNA position 2547, T replaced by C.
Protein change: p.His849=; no amino-acid change (histidine 849 retained).
Molecular consequence: synonymous variant.
Genome position (GRCh38, 1-based): chr12:21,852,464, A>G on the plus strand (T>C on the coding strand, the complement: ABCC9 is on the minus strand). VCF-style: chr12-21852464-A-G. GRCh37 (hg19) VCF-style: chr12-22005398-A-G.
Other names: c.2547T>C, p.His849= (NM_001377273.1, NM_005691.4); c.1680T>C, p.His560= (NM_001377274.1).
Identifiers: ClinVar variation 227158 (VCV000227158.15), dbSNP rs876657428, ClinGen allele CA10576915.
Genomic context (GRCh38, chr12:21,852,464, plus strand): 5'-CACAAGAACGAGTGTCCTTTTGTCATCTTGCAGGAATTTCAAAATCCCCTCCTGCATTAA[A>G]TGATCACTCAAGTGAATGTCCAGGGCTGAGAATGGATCATCCTGCAATCAGTAAAATGGA-3'
Protein context (NP_064693.2, residues 839-859): FSALDIHLSD[His849=]LMQEGILKFL

ClinVar aggregate classification (germline): Likely benign. Review status: criteria provided, multiple submitters, no conflicts (2 of 4 stars). 4 submissions from 4 submitters: Likely benign (4). Last evaluated 2025-07-22.

Conditions:
Cardiovascular phenotype. Identifiers: MedGen CN230736.
Dilated cardiomyopathy 1O (CMD1O). Also called: CARDIOMYOPATHY, DILATED, WITH VENTRICULAR TACHYCARDIA. Identifiers: Orphanet 154, MedGen C1837839, MONDO:0012062, OMIM 608569.

Allele frequency attached by ClinVar (database versions not stated): TOPMed below 0.00001; gnomAD 0.00001; gnomAD exomes 0.00001.
gnomAD v4.1: 13 of 1,613,174 alleles (0.00081%); highest among the groups gnomAD compares: Admixed American, 0.0033%; no homozygotes.

Submissions (4):

Labcorp Genetics (formerly Invitae), Labcorp
Classification: Likely benign for Dilated cardiomyopathy 1O. Last evaluated: 2025-07-22. Review status: criteria provided, single submitter. Criteria: Invitae Variant Classification Sherloc (09022015). Collection method: clinical testing. Allele origin: germline.

Blueprint Genetics
Classification: Likely benign. Last evaluated: 2024-03-18. Review status: criteria provided, single submitter. Criteria: ACMG Guidelines, 2015. Collection method: clinical testing. Allele origin: germline.

Ambry Genetics
Classification: Likely benign for Cardiovascular phenotype. Last evaluated: 2019-11-01. Review status: criteria provided, single submitter. Criteria: Ambry Variant Classification Scheme 2023. Collection method: clinical testing. Allele origin: germline.

Laboratory for Molecular Medicine, Mass General Brigham Personalized Medicine
Classification: Likely benign. Last evaluated: 2015-05-21. Review status: criteria provided, single submitter. Criteria: LMM Criteria. Collection method: clinical testing. Allele origin: germline. Observed: 1 variant allele.
Comment: p.His849His in exon 21 of ABCC9: This variant is not expected to have clinical s ignificance because it does not alter an amino acid residue and is not located w ithin the splice consensus sequence.